The following is an entry in ClinVar:

NM_001042545.2(LTBP4):c.3484+7_3484+20delinsTGTCCCC

Gene: LTBP4 (latent transforming growth factor beta binding protein 4; plus strand). Cytogenetic location: 19q13.2.
Variant type: Indel.
Coding change: c.3484+7_3484+20delinsTGTCCCC on transcript NM_001042545.2 (MANE Select); bases 7 to 20 of the intron after coding-DNA position 3484, ATGGGCTGATGGGG replaced by TGTCCCC.
Molecular consequence: intron variant.
Genome position (GRCh38, 1-based): chr19:40,622,674-40,622,687, ATGGGCTGATGGGG replaced by TGTCCCC. VCF-style: chr19-40622674-ATGGGCTGATGGGG-TGTCCCC. GRCh37 (hg19) VCF-style: chr19-41128579-ATGGGCTGATGGGG-TGTCCCC.
Other names: c.3574+7_3574+20delATGGGCTGATGGGGinsTGTCCCC (NM_003573.2); c.3574+7_3574+20delinsTGTCCCC (NM_003573.2); c.3685+7_3685+20delinsTGTCCCC (NM_001042544.1).
Identifiers: ClinVar variation 513263 (VCV000513263.1), dbSNP rs1555741788, ClinGen allele CA658799225.

ClinVar aggregate classification (germline): Likely benign (1 of 4 stars; one submission).

Submission:

GeneDx
Classification: Likely benign. Last evaluated: 2017-11-10. Review status: criteria provided, single submitter. Criteria: GeneDx Variant Classification (06012015). Collection method: clinical testing. Allele origin: germline. Affected: yes.
Comment: This variant is considered likely benign or benign based on one or more of the following criteria: it is a conservative change, it occurs at a poorly conserved position in the protein, it is predicted to be benign by multiple in silico algorithms, and/or has population frequency not consistent with disease.